The following is an entry in ClinVar:

ClinVar aggregate classification (germline): Likely benign. Review status: criteria provided, multiple submitters, no conflicts (2 of 4 stars). 2 submissions from 2 submitters: Likely benign (2). Last evaluated 2025-12-08.

Conditions:
Idiopathic generalized epilepsy. Also called: Generalised epilepsy; EIG. Identifiers: MedGen C0270850, MONDO:0005579, OMIM 600669.
Hyperaldosteronism, familial, type IV (HALD4). Also called: FH IV; ALDOSTERONISM, PRIMARY, AND HYPERTENSION. Identifiers: Orphanet 642671, MedGen C4310756, MONDO:0014875, OMIM 617027.

Allele frequency attached by ClinVar (database versions not stated): gnomAD exomes 0.00002 and 0.00004; ESP Exome Variant Server 0.00008; ExAC 0.00009; gnomAD 0.00010 and 0.00011; TOPMed 0.00016; 1000 Genomes Project 0.00040; 1000 Genomes Project 30x 0.00047.
gnomAD v4.1: 41 of 1,551,894 alleles (0.0026%); highest among the groups gnomAD compares: African/African-American, 0.026%; no homozygotes.

Submissions (2):

Labcorp Genetics (formerly Invitae), Labcorp
Classification: Likely benign for Idiopathic generalized epilepsy; Hyperaldosteronism, familial, type IV. Last evaluated: 2025-12-08. Review status: criteria provided, single submitter. Criteria: Invitae Variant Classification Sherloc (09022015). Collection method: clinical testing. Allele origin: germline.

CeGaT Center for Human Genetics Tuebingen
Classification: Likely benign. Last evaluated: 2022-09-01. Review status: criteria provided, single submitter. Criteria: CeGaT Center For Human Genetics Tuebingen Variant Classification Criteria Version 2. Collection method: clinical testing. Allele origin: germline. Affected: yes. Observed: 1 variant allele.
Comment: CACNA1H: BP4, BP7

NM_021098.3(CACNA1H):c.1197C>T (p.Phe399=)

Gene: CACNA1H (calcium voltage-gated channel subunit alpha1 H; plus strand). Cytogenetic location: 16p13.3.
Variant type: single nucleotide variant.
Coding change: c.1197C>T on transcript NM_021098.3 (MANE Select); coding-DNA position 1197, C replaced by T.
Protein change: p.Phe399=; no amino-acid change (phenylalanine 399 retained).
Molecular consequence: synonymous variant.
Genome position (GRCh38, 1-based): chr16:1,200,793, C>T. VCF-style: chr16-1200793-C-T. GRCh37 (hg19) VCF-style: chr16-1250793-C-T.
Other names: c.1197C>T, p.Phe399= (NM_001005407.2).
Identifiers: ClinVar variation 1619487 (VCV001619487.32), dbSNP rs370035989, ClinGen allele CA7799838.
Genomic context (GRCh38, chr16:1,200,793, plus strand): 5'-CTGGGTGGACATCATGTACTACGTCATGGACGCCCACTCATTCTACAACTTCATCTATTT[C>T]ATCCTGCTCATCATCGTGAGTGTGGGCGGCAGTGTTCGCCATGATGGGCCCTGGTGTTAG-3'
Protein context (NP_066921.2, residues 389-409): DAHSFYNFIY[Phe399=]ILLIIVGSFF